The following is an entry in ClinVar:

NM_001605.3(AARS1):c.1737C>T (p.Ile579=)

Gene: AARS1 (alanyl-tRNA synthetase 1; minus strand). Cytogenetic location: 16q22.1.
Variant type: single nucleotide variant.
Coding change: c.1737C>T on transcript NM_001605.3 (MANE Select); coding-DNA position 1737, C replaced by T.
Protein change: p.Ile579=; no amino-acid change (isoleucine 579 retained).
Molecular consequence: synonymous variant.
Genome position (GRCh38, 1-based): chr16:70,261,092, G>A on the plus strand (C>T on the coding strand, the complement: AARS1 is on the minus strand). VCF-style: chr16-70261092-G-A. GRCh37 (hg19) VCF-style: chr16-70294995-G-A.
Identifiers: ClinVar variation 320337 (VCV000320337.56), dbSNP rs144323646, ClinGen allele CA8140702.
Genomic context (GRCh38, chr16:70,261,092, plus strand): 5'-AACCCAACTCACCTCATCAATAAACAGCCAGACCTGATCCCCCACTTTCAGGTCACCGTA[G>A]ATGGTTCCAATGTGTAGCACATACCCTCCTCGGACCTGAGCATTCTTCACTGTAAACTCT-3'
Protein context (NP_001596.2, residues 569-589): RGGYVLHIGT[Ile579=]YGDLKVGDQV

ClinVar aggregate classification (germline): Benign/Likely benign. Review status: criteria provided, multiple submitters, no conflicts (2 of 4 stars). 11 submissions from 11 submitters: Benign (2); Likely benign (5). 4 of the submissions do not count toward it. Last evaluated 2026-06-01.

Conditions:
Inborn genetic diseases. Identifiers: MedGen C0950123, MeSH D030342.
Charcot-Marie-Tooth disease type 2. Also called: Charcot-Marie-Tooth type 2. Identifiers: Orphanet 64746, MedGen C0270914, MONDO:0018993.
AARS1-related disorder. Also called: AARS1-related condition.
Charcot-Marie-Tooth disease axonal type 2N (CMT2N). Also called: Charcot-Marie-Tooth Neuropathy Type 2N; CHARCOT-MARIE-TOOTH DISEASE, AXONAL, AUTOSOMAL DOMINANT, TYPE 2N; CHARCOT-MARIE-TOOTH NEUROPATHY, AXONAL, TYPE 2N. Identifiers: Orphanet 228174, MedGen C2750090, MONDO:0013212, OMIM 613287.

Allele frequency attached by ClinVar (database versions not stated): 1000 Genomes Project 0.00120; ESP Exome Variant Server 0.00169; 1000 Genomes Project 30x 0.00094; TOPMed 0.00100.

Submissions (11):

CeGaT Center for Human Genetics Tuebingen
Classification: Likely benign. Last evaluated: 2026-06-01. Review status: criteria provided, single submitter. Criteria: CeGaT Center For Human Genetics Tuebingen Variant Classification Criteria Version 2. Collection method: clinical testing. Allele origin: germline. Affected: yes. Observed: 17 variant alleles.
Comment: AARS1: BP4, BP7

Labcorp Genetics (formerly Invitae), Labcorp
Classification: Benign for Charcot-Marie-Tooth disease type 2. Last evaluated: 2026-02-02. Review status: criteria provided, single submitter. Criteria: Invitae Variant Classification Sherloc (09022015). Collection method: clinical testing. Allele origin: germline.

ARUP Laboratories, Molecular Genetics and Genomics, ARUP Laboratories
Classification: Benign. Last evaluated: 2025-05-02. Review status: criteria provided, single submitter. Criteria: ARUP Molecular Germline Variant Investigation Process 2024. Collection method: clinical testing. Allele origin: germline.

Blueprint Genetics
Classification: Likely benign. Last evaluated: 2024-11-07. Review status: criteria provided, single submitter. Criteria: ACMG Guidelines, 2015. Collection method: clinical testing. Allele origin: germline.

Ambry Genetics
Classification: Likely benign for Inborn genetic diseases. Last evaluated: 2019-07-11. Review status: criteria provided, single submitter. Criteria: Ambry Variant Classification Scheme 2023. Collection method: clinical testing. Allele origin: germline.

Illumina Laboratory Services, Illumina
Classification: Likely benign for Charcot-Marie-Tooth disease axonal type 2N. Last evaluated: 2018-01-12. Review status: criteria provided, single submitter. Criteria: ICSL Variant Classification Criteria 13 December 2019. Collection method: clinical testing. Allele origin: germline.
Comment: This variant was observed in the ICSL laboratory as part of a predisposition screen in an ostensibly healthy population. It had not been previously curated by ICSL or reported in the Human Gene Mutation Database (HGMD: prior to June 1st, 2018), and was therefore a candidate for classification through an automated scoring system. Utilizing variant allele frequency, disease prevalence and penetrance estimates, and inheritance mode, an automated score was calculated to assess if this variant is too frequent to cause the disease. Based on the score and internal cut-off values, a variant classified as likely benign is not then subjected to further curation. The score for this variant resulted in a classification of likely benign for this disease.

GeneDx
Classification: Likely benign. Last evaluated: 2017-09-18. Review status: criteria provided, single submitter. Criteria: GeneDx Variant Classification (06012015). Collection method: clinical testing. Allele origin: germline. Affected: yes.
Comment: This variant is considered likely benign or benign based on one or more of the following criteria: it is a conservative change, it occurs at a poorly conserved position in the protein, it is predicted to be benign by multiple in silico algorithms, and/or has population frequency not consistent with disease.

PreventionGenetics, part of Exact Sciences
Classification: Likely benign for AARS1-related condition. Last evaluated: 2020-09-30. Review status: no assertion criteria provided. Collection method: clinical testing. Allele origin: germline. Not counted in ClinVar's aggregate classification.
Comment: This variant is classified as likely benign based on ACMG/AMP sequence variant interpretation guidelines (Richards et al. 2015 PMID: 25741868, with internal and published modifications).

Clinical Genetics DNA and cytogenetics Diagnostics Lab, Erasmus MC, Erasmus Medical Center
Classification: Likely benign. Review status: no assertion criteria provided. Collection method: clinical testing. Allele origin: germline. Affected: yes. Study: VKGL Data-share Consensus. Not counted in ClinVar's aggregate classification.

Clinical Genetics, Academic Medical Center
Classification: Benign. Review status: no assertion criteria provided. Collection method: clinical testing. Allele origin: germline. Affected: yes. Study: VKGL Data-share Consensus. Not counted in ClinVar's aggregate classification.

Genome Diagnostics Laboratory, University Medical Center Utrecht
Classification: Likely benign. Review status: no assertion criteria provided. Collection method: clinical testing. Allele origin: germline. Affected: yes. Study: VKGL Data-share Consensus. Not counted in ClinVar's aggregate classification.